The following is an entry in ClinVar:

ClinVar aggregate classification (germline): Likely benign. Review status: criteria provided, single submitter (1 of 4 stars). 2 submissions from 2 submitters: Likely benign (1). 1 of the submissions does not count toward it. Last evaluated 2025-12-17.

Conditions:
CEP135-related disorder. Also called: CEP135-related condition.

Allele frequency attached by ClinVar (database versions not stated): gnomAD exomes 0.00002 and 0.00009; ExAC 0.00014; gnomAD 0.00020 and 0.00021; TOPMed 0.00026; 1000 Genomes Project 30x 0.00062; ESP Exome Variant Server 0.00062; 1000 Genomes Project 0.00080.
gnomAD v4.1: 70 of 1,606,888 alleles (0.0044%); highest among the groups gnomAD compares: African/African-American, 0.073%; no homozygotes.

Submissions (2):

Labcorp Genetics (formerly Invitae), Labcorp
Classification: Likely benign. Last evaluated: 2025-12-17. Review status: criteria provided, single submitter. Criteria: Invitae Variant Classification Sherloc (09022015). Collection method: clinical testing. Allele origin: germline.

PreventionGenetics, part of Exact Sciences
Classification: Likely benign for CEP135-related condition. Last evaluated: 2023-08-29. Review status: no assertion criteria provided. Collection method: clinical testing. Allele origin: germline. Not counted in ClinVar's aggregate classification.
Comment: This variant is classified as likely benign based on ACMG/AMP sequence variant interpretation guidelines (Richards et al. 2015 PMID: 25741868, with internal and published modifications).

NM_025009.5(CEP135):c.813T>G (p.Ala271=)

Gene: CEP135 (centrosomal protein 135; plus strand). Cytogenetic location: 4q12.
Variant type: single nucleotide variant.
Coding change: c.813T>G on transcript NM_025009.5 (MANE Select); coding-DNA position 813, T replaced by G.
Protein change: p.Ala271=; no amino-acid change (alanine 271 retained).
Molecular consequence: synonymous variant.
Genome position (GRCh38, 1-based): chr4:55,964,387, T>G. VCF-style: chr4-55964387-T-G. GRCh37 (hg19) VCF-style: chr4-56830553-T-G.
Identifiers: ClinVar variation 734597 (VCV000734597.11), dbSNP rs111958646, ClinGen allele CA2927672.
Genomic context (GRCh38, chr4:55,964,387, plus strand): 5'-TCGGTCCCCTGATGTCCTTTCTCTGGAGTCTAGAAATAAAACCAATGAAAAGCTTATTGC[T>G]CATTTAAATATTCAGGTAATGGCTTTTATAATTATTTCACTGAGTGTATATAATGGTGTT-3'
Protein context (NP_079285.2, residues 261-281): SRNKTNEKLI[Ala271=]HLNIQVDFLQ